The following is an entry in ClinVar:

ClinVar aggregate classification (germline): Uncertain significance (1 of 4 stars; one submission).

gnomAD v4.1: 7 of 1,551,626 alleles (0.00045%); highest among the groups gnomAD compares: Non-Finnish European, 0.00061%; no homozygotes.

Submission:

Labcorp Genetics (formerly Invitae), Labcorp
Classification: Uncertain significance. Last evaluated: 2025-09-15. Review status: criteria provided, single submitter. Criteria: Invitae Variant Classification Sherloc (09022015). Collection method: clinical testing. Allele origin: germline.
Comment: This sequence change replaces glutamine, which is neutral and polar, with glutamic acid, which is acidic and polar, at codon 1624 of the TET2 protein (p.Gln1624Glu). This variant is not present in population databases (gnomAD no frequency). This variant has not been reported in the literature in individuals affected with TET2-related conditions. An algorithm developed to predict the effect of missense changes on protein structure and function (PolyPhen-2) suggests that this variant is likely to be disruptive. In summary, the available evidence is currently insufficient to determine the role of this variant in disease. Therefore, it has been classified as a Variant of Uncertain Significance.

NM_001127208.3(TET2):c.4870C>G (p.Gln1624Glu)

Genes: TET2 (tet methylcytosine dioxygenase 2; plus strand), TET2-AS1 (TET2 antisense RNA 1; minus strand). Cytogenetic location: 4q24.
Variant type: single nucleotide variant.
Coding change: c.4870C>G on transcript NM_001127208.3 (MANE Select); coding-DNA position 4870, C replaced by G.
Protein change: p.Gln1624Glu; replaces glutamine 1624 with glutamic acid.
Molecular consequence: missense variant.
Genome position (GRCh38, 1-based): chr4:105,275,380, C>G. VCF-style: chr4-105275380-C-G. GRCh37 (hg19) VCF-style: chr4-106196537-C-G.
Other names: short protein forms Q1624E.
Identifiers: ClinVar variation 4727250 (VCV004727250.1).